The following is an entry in ClinVar:

NM_001367624.2(ZNF469):c.10321C>G (p.Leu3441Val)

Gene: ZNF469 (zinc finger protein 469; plus strand). Cytogenetic location: 16q24.2.
Variant type: single nucleotide variant.
Coding change: c.10321C>G on transcript NM_001367624.2 (MANE Select); coding-DNA position 10321, C replaced by G.
Protein change: p.Leu3441Val; replaces leucine 3441 with valine.
Molecular consequence: missense variant.
Genome position (GRCh38, 1-based): chr16:88,437,791, C>G. VCF-style: chr16-88437791-C-G. GRCh37 (hg19) VCF-style: chr16-88504199-C-G.
Other names: NM_001127464.1:c.10237C>G; short protein forms L3441V.
Identifiers: ClinVar variation 1765369 (VCV001765369.3), dbSNP rs973392073, ClinGen allele CA286386457.

ClinVar aggregate classification (germline): Uncertain significance. Review status: criteria provided, multiple submitters, no conflicts (2 of 4 stars). 2 submissions from 2 submitters: Uncertain significance (2). Last evaluated 2023-05-19.

Conditions:
Cardiovascular phenotype. Identifiers: MedGen CN230736.

Allele frequency attached by ClinVar (database versions not stated): gnomAD 0.00007.
gnomAD v4.1: 13 of 1,546,772 alleles (0.00084%); highest among the groups gnomAD compares: African/African-American, 0.018%; no homozygotes.

Submissions (2):

GeneDx
Classification: Uncertain significance. Last evaluated: 2023-05-19. Review status: criteria provided, single submitter. Criteria: GeneDx Variant Classification Process June 2021. Collection method: clinical testing. Allele origin: germline. Affected: yes.
Comment: In silico analysis supports that this missense variant does not alter protein structure/function; Has not been previously published as pathogenic or benign to our knowledge

Ambry Genetics
Classification: Uncertain significance for Cardiovascular phenotype. Last evaluated: 2021-12-16. Review status: criteria provided, single submitter. Criteria: Ambry Variant Classification Scheme 2023. Collection method: clinical testing. Allele origin: germline.
Comment: The p.L3413V variant (also known as c.10237C>G), located in coding exon 2 of the ZNF469 gene, results from a C to G substitution at nucleotide position 10237. The leucine at codon 3413 is replaced by valine, an amino acid with highly similar properties. This amino acid position is conserved. In addition, this alteration is predicted to be tolerated by in silico analysis. Since supporting evidence is limited at this time, the clinical significance of this alteration remains unclear.